The following is an entry in ClinVar:

ClinVar aggregate classification (germline): Uncertain significance. Review status: criteria provided, multiple submitters, no conflicts (2 of 4 stars). 2 submissions from 2 submitters: Uncertain significance (2). Last evaluated 2025-02-05.

Conditions:
Congenital myasthenic syndrome 2A. Also called: Myasthenic syndrome, congenital, 2a, slow-channel. Identifiers: Orphanet 590, MedGen C4225374, MONDO:0014581, OMIM 616313.
Inborn genetic diseases. Identifiers: MedGen C0950123, MeSH D030342.

gnomAD v4.1: 2 of 1,614,012 alleles (0.00012%); highest among the groups gnomAD compares: East Asian, 0.0045%; no homozygotes.

Submissions (2):

Ambry Genetics
Classification: Uncertain significance for Inborn genetic diseases. Last evaluated: 2025-02-05. Review status: criteria provided, single submitter. Criteria: Ambry Variant Classification Scheme 2023. Collection method: clinical testing. Allele origin: germline.

Labcorp Genetics (formerly Invitae), Labcorp
Classification: Uncertain significance for Congenital myasthenic syndrome 2A. Last evaluated: 2025-01-23. Review status: criteria provided, single submitter. Criteria: Invitae Variant Classification Sherloc (09022015). Collection method: clinical testing. Allele origin: germline.
Comment: This sequence change replaces glutamine, which is neutral and polar, with glutamic acid, which is acidic and polar, at codon 450 of the CHRNB1 protein (p.Gln450Glu). This variant is present in population databases (rs746049604, gnomAD 0.006%). This variant has not been reported in the literature in individuals affected with CHRNB1-related conditions. Invitae Evidence Modeling of protein sequence and biophysical properties (such as structural, functional, and spatial information, amino acid conservation, physicochemical variation, residue mobility, and thermodynamic stability) indicates that this missense variant is not expected to disrupt CHRNB1 protein function with a negative predictive value of 80%. In summary, the available evidence is currently insufficient to determine the role of this variant in disease. Therefore, it has been classified as a Variant of Uncertain Significance.

NM_000747.3(CHRNB1):c.1348C>G (p.Gln450Glu)

Gene: CHRNB1 (cholinergic receptor nicotinic beta 1 subunit; plus strand). Cytogenetic location: 17p13.1.
Variant type: single nucleotide variant.
Coding change: c.1348C>G on transcript NM_000747.3 (MANE Select); coding-DNA position 1348, C replaced by G.
Protein change: p.Gln450Glu; replaces glutamine 450 with glutamic acid.
Molecular consequence: missense variant.
Genome position (GRCh38, 1-based): chr17:7,455,924, C>G. VCF-style: chr17-7455924-C-G. GRCh37 (hg19) VCF-style: chr17-7359243-C-G.
Other names: c.1348C>G (NM_000747.2); short protein forms Q450E.
Identifiers: ClinVar variation 3686145 (VCV003686145.3).